The following is an entry in ClinVar:

NM_016169.4(SUFU):c.1453T>G (p.Ter485Glu)

Gene: SUFU (SUFU negative regulator of hedgehog signaling; plus strand). Cytogenetic location: 10q24.32.
Variant type: single nucleotide variant.
Coding change: c.1453T>G on transcript NM_016169.4 (MANE Select); coding-DNA position 1453, T replaced by G.
Protein change: p.Ter485Glu.
Molecular consequence: stop lost.
Genome position (GRCh38, 1-based): chr10:102,630,153, T>G. VCF-style: chr10-102630153-T-G. GRCh37 (hg19) VCF-style: chr10-104389910-T-G.
Identifiers: ClinVar variation 1773007 (VCV001773007.8), dbSNP rs941755884, ClinGen allele CA212250291.

ClinVar aggregate classification (germline): Uncertain significance. Review status: criteria provided, multiple submitters, no conflicts (2 of 4 stars). 2 submissions from 2 submitters: Uncertain significance (2). Last evaluated 2025-08-29.

Conditions:
Gorlin syndrome. Also called: Nevoid Basal Cell Carcinoma Syndrome; Basal cell nevus syndrome. Identifiers: Orphanet 377, MedGen C0004779, MONDO:0007187.
Medulloblastoma (MDB). Also called: MEDULLOBLASTOMA PREDISPOSITION SYNDROME; Medulloblastoma, somatic. Identifiers: Orphanet 616, MedGen C0025149, MeSH D008527, MONDO:0007959, OMIM 155255, HP:0002885.
Hereditary cancer-predisposing syndrome. Also called: Tumor predisposition; Neoplastic Syndromes, Hereditary; Hereditary Cancer Syndrome; Hereditary neoplastic syndrome. Identifiers: Orphanet 140162, MedGen C0027672, MeSH D009386, MONDO:0015356.

Allele frequency attached by ClinVar (database versions not stated): gnomAD exomes below 0.00001; TOPMed below 0.00001; gnomAD 0.00001.
gnomAD v4.1: 3 of 1,613,664 alleles (0.00019%); highest among the groups gnomAD compares: African/African-American, 0.004%; no homozygotes.

Submissions (2):

Ambry Genetics
Classification: Uncertain significance for Hereditary cancer-predisposing syndrome. Last evaluated: 2025-08-29. Review status: criteria provided, single submitter. Criteria: Ambry Variant Classification Scheme 2023. Collection method: clinical testing. Allele origin: germline.
Comment: The c.1453T>G variant (also known as p.*485Eext*36), located in coding exon 12 of the SUFU gene, results from a T to G substitution at nucleotide position 1453. This alteration disrupts the stop codon and is predicted to preserve the native sequence while resulting in the elongation of the protein by 36 amino acids. The exact functional effect of the additional amino acids is unknown. Based on the available evidence, the clinical significance of this variant remains unclear.

Labcorp Genetics (formerly Invitae), Labcorp
Classification: Uncertain significance for Gorlin syndrome; Medulloblastoma. Last evaluated: 2024-08-20. Review status: criteria provided, single submitter. Criteria: Invitae Variant Classification Sherloc (09022015). Collection method: clinical testing. Allele origin: germline.
Comment: This sequence change disrupts the translational stop signal of the SUFU mRNA. It is expected to extend the length of the SUFU protein by 36 additional amino acid residues. This variant is not present in population databases (gnomAD no frequency). This variant has not been reported in the literature in individuals affected with SUFU-related conditions. ClinVar contains an entry for this variant (Variation ID: 1773007). In summary, the available evidence is currently insufficient to determine the role of this variant in disease. Therefore, it has been classified as a Variant of Uncertain Significance.